The following is an entry in ClinVar:

NM_001277115.2(DNAH11):c.3139G>A (p.Glu1047Lys)

Genes: DNAH11 (dynein axonemal heavy chain 11; plus strand), LOC126859961 (BRD4-independent group 4 enhancer GRCh37_chr7:21639662-21640861; plus strand). Cytogenetic location: 7p15.3.
Variant type: single nucleotide variant.
Coding change: c.3139G>A on transcript NM_001277115.2 (MANE Select); coding-DNA position 3139, G replaced by A.
Protein change: p.Glu1047Lys; replaces glutamic acid 1047 with lysine.
Molecular consequence: missense variant.
Genome position (GRCh38, 1-based): chr7:21,600,814, G>A. VCF-style: chr7-21600814-G-A. GRCh37 (hg19) VCF-style: chr7-21640432-G-A.
Other names: short protein forms E1047K.
Identifiers: ClinVar variation 1042484 (VCV001042484.14), dbSNP rs77008420, ClinGen allele CA4179538.

ClinVar aggregate classification (germline): Conflicting classifications of pathogenicity. Review status: criteria provided, conflicting classifications (1 of 4 stars). 4 submissions from 4 submitters: Uncertain significance (2); Likely benign (2). Last evaluated 2025-09-11.

Conditions:
Primary ciliary dyskinesia. Also called: Ciliary dyskinesia. Identifiers: Orphanet 244, MedGen C0008780, MONDO:0016575, HP:0012265.
DNAH11-related disorder. Also called: DNAH11-related condition.

Allele frequency attached by ClinVar (database versions not stated): gnomAD exomes 0.00002 and 0.00007; ExAC 0.00007; ESP Exome Variant Server 0.00016; TOPMed 0.00025; gnomAD 0.00026 and 0.00027; 1000 Genomes Project 30x 0.00047; 1000 Genomes Project 0.00060.
gnomAD v4.1: 71 of 1,613,950 alleles (0.0044%); highest among the groups gnomAD compares: African/African-American, 0.087%; no homozygotes.

Submissions (4):

Ambry Genetics
Classification: Likely benign for Primary ciliary dyskinesia. Last evaluated: 2025-09-11. Review status: criteria provided, single submitter. Criteria: Ambry Variant Classification Scheme 2023. Collection method: clinical testing. Allele origin: germline.

Labcorp Genetics (formerly Invitae), Labcorp
Classification: Likely benign for Primary ciliary dyskinesia. Last evaluated: 2025-07-02. Review status: criteria provided, single submitter. Criteria: Invitae Variant Classification Sherloc (09022015). Collection method: clinical testing. Allele origin: germline.

GeneDx
Classification: Uncertain significance. Last evaluated: 2024-07-24. Review status: criteria provided, single submitter. Criteria: GeneDx Variant Classification Process June 2021. Collection method: clinical testing. Allele origin: germline. Affected: yes.
Comment: In silico analysis supports that this missense variant has a deleterious effect on protein structure/function; Has not been previously published as pathogenic or benign to our knowledge

PreventionGenetics, part of Exact Sciences
Classification: Uncertain significance for DNAH11-related condition. Last evaluated: 2023-02-06. Review status: criteria provided, single submitter. Criteria: ACMG Guidelines, 2015. Collection method: clinical testing. Allele origin: germline.
Comment: The DNAH11 c.3139G>A variant is predicted to result in the amino acid substitution p.Glu1047Lys. To our knowledge, this variant has not been reported in the literature. This variant is reported in 0.099% of alleles in individuals of African descent in gnomAD. At this time, the clinical significance of this variant is uncertain due to the absence of conclusive functional and genetic evidence.